The following is an entry in ClinVar:

ClinVar aggregate classification (germline): Uncertain significance. Review status: criteria provided, multiple submitters, no conflicts (2 of 4 stars). 2 submissions from 2 submitters: Uncertain significance (2). Last evaluated 2025-01-10.

Conditions:
DICER1-related tumor predisposition. Also called: DICER1-related pleuropulmonary blastoma cancer predisposition syndrome; DICER1 syndrome. Identifiers: Orphanet 284343, MedGen C3839822, MONDO:0100216.
Hereditary cancer-predisposing syndrome. Also called: Tumor predisposition; Neoplastic Syndromes, Hereditary; Hereditary neoplastic syndrome; Hereditary Cancer Syndrome. Identifiers: Orphanet 140162, MedGen C0027672, MeSH D009386, MONDO:0015356.

Submissions (2):

Ambry Genetics
Classification: Uncertain significance for Hereditary cancer-predisposing syndrome. Last evaluated: 2025-01-10. Review status: criteria provided, single submitter. Criteria: Ambry Variant Classification Scheme 2023. Collection method: clinical testing. Allele origin: germline.
Comment: The p.D1437Y variant (also known as c.4309G>T), located in coding exon 22 of the DICER1 gene, results from a G to T substitution at nucleotide position 4309. The aspartic acid at codon 1437 is replaced by tyrosine, an amino acid with highly dissimilar properties. This amino acid position is conserved. In addition, the in silico prediction for this alteration is inconclusive. Based on the available evidence, the clinical significance of this variant remains unclear.

Labcorp Genetics (formerly Invitae), Labcorp
Classification: Uncertain significance for DICER1-related tumor predisposition. Last evaluated: 2022-03-20. Review status: criteria provided, single submitter. Criteria: Invitae Variant Classification Sherloc (09022015). Collection method: clinical testing. Allele origin: germline.
Comment: This sequence change replaces aspartic acid, which is acidic and polar, with tyrosine, which is neutral and polar, at codon 1437 of the DICER1 protein (p.Asp1437Tyr). This variant is not present in population databases (gnomAD no frequency). This variant has not been reported in the literature in individuals affected with DICER1-related conditions. Algorithms developed to predict the effect of missense changes on protein structure and function are either unavailable or do not agree on the potential impact of this missense change (SIFT: "Deleterious"; PolyPhen-2: "Possibly Damaging"; Align-GVGD: "Class C0"). In summary, the available evidence is currently insufficient to determine the role of this variant in disease. Therefore, it has been classified as a Variant of Uncertain Significance.

NM_177438.3(DICER1):c.4309G>T (p.Asp1437Tyr)

Gene: DICER1 (dicer 1, ribonuclease III; minus strand). Cytogenetic location: 14q32.13.
Variant type: single nucleotide variant.
Coding change: c.4309G>T on transcript NM_177438.3 (MANE Select); coding-DNA position 4309, G replaced by T.
Protein change: p.Asp1437Tyr; replaces aspartic acid 1437 with tyrosine.
Molecular consequence: missense variant. On other transcripts: non-coding transcript variant (6).
Genome position (GRCh38, 1-based): chr14:95,096,611, C>A on the plus strand (G>T on the coding strand, the complement: DICER1 is on the minus strand). VCF-style: chr14-95096611-C-A. GRCh37 (hg19) VCF-style: chr14-95562948-C-A.
Other names: c.4309G>T, p.Asp1437Tyr (NM_001195573.1, NM_001271282.3, NM_001291628.2 and 13 more transcripts); c.4027G>T, p.Asp1343Tyr (NM_001395686.1); c.3904G>T, p.Asp1302Tyr (NM_001395687.1, NM_001395688.1, NM_001395689.1 and 2 more transcripts); c.3742G>T, p.Asp1248Tyr (NM_001395691.1); c.2626G>T, p.Asp876Tyr (NM_001395697.1); short protein forms D1343Y, D1437Y, D1248Y, D1302Y, D876Y.
Identifiers: ClinVar variation 2096312 (VCV002096312.2), dbSNP rs1595342200, ClinGen allele CA390869417.